The following is an entry in ClinVar:

ClinVar aggregate classification (germline): Uncertain significance. Review status: criteria provided, multiple submitters, no conflicts (2 of 4 stars). 2 submissions from 2 submitters: Uncertain significance (2). Last evaluated 2026-06-01.

Conditions:
VPS13B-related disorder. Also called: VPS13B-related condition.
Cohen syndrome (COH1). Also called: PEPPER SYNDROME; Cutis verticis gyrata, retinitis pigmentosa, and sensorineural deafness. Identifiers: Orphanet 193, MedGen C0265223, MONDO:0008999, OMIM 216550.

gnomAD v4.1: 6 of 1,613,620 alleles (0.00037%); highest among the groups gnomAD compares: Admixed American, 0.0033%; no homozygotes.

Submissions (2):

PreventionGenetics, part of Exact Sciences
Classification: Uncertain significance for VPS13B-related condition. Last evaluated: 2026-06-01. Review status: criteria provided, single submitter. Criteria: ACMG Guidelines, 2015. Collection method: clinical testing. Allele origin: germline.
Comment: The VPS13B c.2401A>G variant is predicted to result in the amino acid substitution p.Thr801Ala. To our knowledge, this variant has not been reported in the literature. This variant is reported in 0.0033% of alleles in individuals of South Asian descent in gnomAD. At this time, the clinical significance of this variant is uncertain due to the absence of conclusive functional and genetic evidence.

Labcorp Genetics (formerly Invitae), Labcorp
Classification: Uncertain significance for Cohen syndrome. Last evaluated: 2024-03-22. Review status: criteria provided, single submitter. Criteria: Invitae Variant Classification Sherloc (09022015). Collection method: clinical testing. Allele origin: germline.
Comment: This sequence change replaces threonine, which is neutral and polar, with alanine, which is neutral and non-polar, at codon 801 of the VPS13B protein (p.Thr801Ala). This variant is present in population databases (no rsID available, gnomAD 0.003%). This variant has not been reported in the literature in individuals affected with VPS13B-related conditions. Advanced modeling of protein sequence and biophysical properties (such as structural, functional, and spatial information, amino acid conservation, physicochemical variation, residue mobility, and thermodynamic stability) performed at Invitae indicates that this missense variant is expected to disrupt VPS13B protein function with a positive predictive value of 80%. In summary, the available evidence is currently insufficient to determine the role of this variant in disease. Therefore, it has been classified as a Variant of Uncertain Significance.

NM_152564.5(VPS13B):c.2401A>G (p.Thr801Ala)

Gene: VPS13B (vacuolar protein sorting 13 homolog B; plus strand). Cytogenetic location: 8q22.2.
Variant type: single nucleotide variant.
Coding change: c.2401A>G on transcript NM_152564.5 (MANE Select); coding-DNA position 2401, A replaced by G.
Protein change: p.Thr801Ala; replaces threonine 801 with alanine.
Molecular consequence: missense variant.
Genome position (GRCh38, 1-based): chr8:99,192,943, A>G. VCF-style: chr8-99192943-A-G. GRCh37 (hg19) VCF-style: chr8-100205171-A-G.
Other names: c.2401A>G, p.Thr801Ala (NM_015243.3, NM_017890.5); short protein forms T801A.
Identifiers: ClinVar variation 3716423 (VCV003716423.3).